The following is an entry in ClinVar:

ClinVar aggregate classification (germline): Conflicting classifications of pathogenicity. Review status: criteria provided, conflicting classifications (1 of 4 stars). 5 submissions from 5 submitters: Uncertain significance (1); Likely benign (3). 1 of the submissions does not count toward it. Last evaluated 2023-09-11.

Conditions:
TTN-related disorder. Also called: TTN-related disorders; TTN-related condition; TTN-related disease.
Hypertrophic cardiomyopathy. Also called: HYPERTROPHIC MYOCARDIOPATHY. Identifiers: Orphanet 217569, MedGen C0007194, MeSH D002312, MONDO:0005045, HP:0001639.

Allele frequency attached by ClinVar (database versions not stated): gnomAD below 0.00001 and 0.00007; TOPMed 0.00001; 1000 Genomes Project 30x 0.00016; 1000 Genomes Project 0.00020; ExAC 0.00027.
gnomAD v4.1: 195 of 1,613,100 alleles (0.012%); highest among the groups gnomAD compares: South Asian, 0.2%; 1 homozygote.

Submissions (5):

Blueprint Genetics
Classification: Likely benign. Last evaluated: 2023-09-11. Review status: criteria provided, single submitter. Criteria: ACMG Guidelines, 2015. Collection method: clinical testing. Allele origin: germline.

Revvity Omics, Revvity
Classification: Uncertain significance. Last evaluated: 2022-09-09. Review status: criteria provided, single submitter. Criteria: ACMG Guidelines, 2015. Collection method: clinical testing. Allele origin: germline.

Athena Diagnostics
Classification: Likely benign. Last evaluated: 2020-11-19. Review status: criteria provided, single submitter. Criteria: Athena Diagnostics criteria. Collection method: clinical testing. Allele origin: unknown.

Genetics and Genomics Program, Sidra Medicine
Classification: Likely benign for Hypertrophic cardiomyopathy. Review status: criteria provided, single submitter. Criteria: ACMG Guidelines, 2015. Collection method: research. Allele origin: unknown. Affected: yes. Observed: 1 variant allele.

PreventionGenetics, part of Exact Sciences
Classification: Likely benign for TTN-related condition. Last evaluated: 2022-03-21. Review status: no assertion criteria provided. Collection method: clinical testing. Allele origin: germline. Not counted in ClinVar's aggregate classification.
Comment: This variant is classified as likely benign based on ACMG/AMP sequence variant interpretation guidelines (Richards et al. 2015 PMID: 25741868, with internal and published modifications).

NM_001267550.2(TTN):c.25616G>T (p.Cys8539Phe)

Gene: TTN (titin; minus strand). Cytogenetic location: 2q31.2.
Variant type: single nucleotide variant.
Coding change: c.25616G>T on transcript NM_001267550.2 (MANE Select); coding-DNA position 25616, G replaced by T.
Protein change: p.Cys8539Phe; replaces cysteine 8539 with phenylalanine.
Molecular consequence: missense variant. On other transcripts: intron variant (3).
Genome position (GRCh38, 1-based): chr2:178,717,118, C>A on the plus strand (G>T on the coding strand, the complement: TTN is on the minus strand). VCF-style: chr2-178717118-C-A. GRCh37 (hg19) VCF-style: chr2-179581845-C-A.
Other names: c.25616G>T (NM_001267550.1); c.24665G>T, p.Cys8222Phe (NM_001256850.1); c.21884G>T, p.Cys7295Phe (NM_133378.4); c.13282+20964G>T (NM_003319.4); c.13858+20964G>T (NM_133437.4); c.13657+20964G>T (NM_133432.3); short protein forms C7295F, C8222F, C8539F.
Identifiers: ClinVar variation 978744 (VCV000978744.8), dbSNP rs550882549, ClinGen allele CA2000186.